The following is an entry in ClinVar:

NM_000218.3(KCNQ1):c.1349A>G (p.Glu450Gly)

Gene: KCNQ1 (potassium voltage-gated channel subfamily Q member 1; plus strand). Cytogenetic location: 11p15.5.
Variant type: single nucleotide variant.
Coding change: c.1349A>G on transcript NM_000218.3 (MANE Select); coding-DNA position 1349, A replaced by G.
Protein change: p.Glu450Gly; replaces glutamic acid 450 with glycine.
Molecular consequence: missense variant.
Genome position (GRCh38, 1-based): chr11:2,588,810, A>G. VCF-style: chr11-2588810-A-G. GRCh37 (hg19) VCF-style: chr11-2610040-A-G.
Other names: c.1253A>G, p.Glu418Gly (NM_001406836.1); c.1079A>G, p.Glu360Gly (NM_001406837.1); c.809A>G, p.Glu270Gly (NM_001406838.1); c.968A>G, p.Glu323Gly (NM_181798.2); short protein forms E323G, E450G, E360G, E270G, E418G.
Identifiers: ClinVar variation 374106 (VCV000374106.13), dbSNP rs1057518902, ClinGen allele CA16043459.
Genomic context (GRCh38, chr11:2,588,810, plus strand): 5'-GGGTGACTCCTGGAGAGAAGATGCTCACAGTCCCCCATATCACGTGCGACCCCCCAGAAG[A>G]GCGGCGGCTGGACCACTTCTCTGTCGACGGCTATGACAGTTCTGGTGAGAACCCCTCAGG-3'
Protein context (NP_000209.2, residues 440-460): VPHITCDPPE[Glu450Gly]RRLDHFSVDG

ClinVar aggregate classification (germline): Uncertain significance. Review status: criteria provided, multiple submitters, no conflicts (2 of 4 stars). 5 submissions from 5 submitters: Uncertain significance (5). Last evaluated 2024-09-09.

Conditions:
Cardiac arrhythmia. Also called: Cardiac rhythm disease; Arrhythmia. Identifiers: MedGen C0003811, MONDO:0007263, HP:0011675.
Long QT syndrome 1 (LQT1). Identifiers: Orphanet 101016, Orphanet 768, MedGen C4551647, MONDO:0100316, OMIM 192500, MONDO:0008646.
Jervell and Lange-Nielsen syndrome 1 (JLNS1). Also called: PROLONGED QT INTERVAL IN EKG AND SUDDEN DEATH; SURDO-CARDIAC SYNDROME; CARDIOAUDITORY SYNDROME OF JERVELL AND LANGE-NIELSEN; DEAFNESS, CONGENITAL, AND FUNCTIONAL HEART DISEASE. Identifiers: Orphanet 768, Orphanet 90647, MedGen C4551509, MONDO:0024540, OMIM 220400.
Short QT syndrome type 2. Identifiers: Orphanet 51083, MedGen C1865019, MONDO:0012313, OMIM 609621.
Atrial fibrillation, familial, 3 (ATFB3). Identifiers: MedGen C1837014, MONDO:0011857, OMIM 607554.
Beckwith-Wiedemann syndrome (BWS). Also called: EMG SYNDROME; Exomphalos macroglossia gigantism syndrome. Identifiers: Orphanet 116, MedGen C0004903, MONDO:0007534, OMIM 130650.
Long QT syndrome (LQTS). Identifiers: MedGen C0023976, MeSH D008133, MONDO:0002442. Disease mechanism: loss of function. Inheritance: Various modes of inheritance.

Allele frequency attached by ClinVar (database versions not stated): gnomAD exomes 0.00001.
gnomAD v4.1: 3 of 1,613,070 alleles (0.00019%); highest among the groups gnomAD compares: Non-Finnish European, 0.00025%; no homozygotes.

Submissions (5):

Color Diagnostics, LLC DBA Color Health
Classification: Uncertain significance for Cardiac arrhythmia. Last evaluated: 2024-09-09. Review status: criteria provided, single submitter. Criteria: ACMG Guidelines, 2015. Collection method: clinical testing. Allele origin: germline.
Comment: This missense variant replaces glutamic acid with glycine at codon 450 of the KCNQ1 protein. Computational prediction is inconclusive regarding the impact of this variant on protein structure and function. To our knowledge, functional studies have not been reported for this variant. This variant has not been reported in individuals affected with KCNQ1-related disorders in the literature. This variant has not been identified in the general population by the Genome Aggregation Database (gnomAD). The available evidence is insufficient to determine the role of this variant in disease conclusively. Therefore, this variant is classified as a Variant of Uncertain Significance.

Labcorp Genetics (formerly Invitae), Labcorp
Classification: Uncertain significance for Long QT syndrome. Last evaluated: 2023-05-09. Review status: criteria provided, single submitter. Criteria: Invitae Variant Classification Sherloc (09022015). Collection method: clinical testing. Allele origin: germline.
Comment: Advanced modeling of protein sequence and biophysical properties (such as structural, functional, and spatial information, amino acid conservation, physicochemical variation, residue mobility, and thermodynamic stability) has been performed at Invitae for this missense variant, however the output from this modeling did not meet the statistical confidence thresholds required to predict the impact of this variant on KCNQ1 protein function. ClinVar contains an entry for this variant (Variation ID: 374106). This variant has not been reported in the literature in individuals affected with KCNQ1-related conditions. This variant is not present in population databases (gnomAD no frequency). This sequence change replaces glutamic acid, which is acidic and polar, with glycine, which is neutral and non-polar, at codon 450 of the KCNQ1 protein (p.Glu450Gly). In summary, the available evidence is currently insufficient to determine the role of this variant in disease. Therefore, it has been classified as a Variant of Uncertain Significance.

GeneDx
Classification: Uncertain significance. Last evaluated: 2022-04-18. Review status: criteria provided, single submitter. Criteria: GeneDx Variant Classification Process June 2021. Collection method: clinical testing. Allele origin: germline. Affected: yes.
Comment: Not observed in large population cohorts (gnomAD); In silico analysis supports that this missense variant does not alter protein structure/function; Has not been previously published as pathogenic or benign to our knowledge

Fulgent Genetics
Classification: Uncertain significance for Beckwith-Wiedemann syndrome; Long QT syndrome 1; Jervell and Lange-Nielsen syndrome 1; Atrial fibrillation, familial, 3; Short QT syndrome type 2. Last evaluated: 2021-09-21. Review status: criteria provided, single submitter. Criteria: ACMG Guidelines, 2015. Collection method: clinical testing. Allele origin: unknown.

Centre for Mendelian Genomics, University Medical Centre Ljubljana
Classification: Uncertain significance for Cardiac arrhythmia. Last evaluated: 2014-02-17. Review status: criteria provided, single submitter. Criteria: ACMG Guidelines, 2015. Collection method: clinical testing. Allele origin: unknown. Affected: yes.